The following is an entry in ClinVar:

NM_182961.4(SYNE1):c.1330C>T (p.Arg444Trp)

Gene: SYNE1 (spectrin repeat containing nuclear envelope protein 1; minus strand). Cytogenetic location: 6q25.2.
Variant type: single nucleotide variant.
Coding change: c.1330C>T on transcript NM_182961.4 (MANE Select); coding-DNA position 1330, C replaced by T.
Protein change: p.Arg444Trp; replaces arginine 444 with tryptophan.
Molecular consequence: missense variant.
Genome position (GRCh38, 1-based): chr6:152,483,105, G>A on the plus strand (C>T on the coding strand, the complement: SYNE1 is on the minus strand). VCF-style: chr6-152483105-G-A. GRCh37 (hg19) VCF-style: chr6-152804240-G-A.
Other names: c.1351C>T, p.Arg451Trp (NM_033071.5); short protein forms R444W, R451W.
Identifiers: ClinVar variation 288498 (VCV000288498.19), dbSNP rs75153800, ClinGen allele CA4059457.

ClinVar aggregate classification (germline): Uncertain significance. Review status: criteria provided, multiple submitters, no conflicts (2 of 4 stars). 5 submissions from 5 submitters: Uncertain significance (5). Last evaluated 2024-11-21.

Conditions:
Emery-Dreifuss muscular dystrophy 4, autosomal dominant (EDMD4). Also called: EMERY-DREIFUSS MUSCULAR DYSTROPHY 4 WITH VARIABLE FEATURES. Identifiers: Orphanet 261, MedGen C2751807, MONDO:0013071, OMIM 612998.
Autosomal recessive ataxia, Beauce type. Also called: Spinocerebellar ataxia, autosomal recessive 8; SYNE1-Related Autosomal Recessive Cerebellar Ataxia; SYNE1 Deficiency; ATAXIA, RECESSIVE, OF BEAUCE. Identifiers: Orphanet 88644, MedGen C1853116, MONDO:0012549, OMIM 610743.

Allele frequency attached by ClinVar (database versions not stated): gnomAD 0.00006 and 0.00007; TOPMed 0.00006; gnomAD exomes 0.00007; ESP Exome Variant Server 0.00008; ExAC 0.00010; 1000 Genomes Project 30x 0.00016; 1000 Genomes Project 0.00020.
gnomAD v4.1: 80 of 1,614,164 alleles (0.005%); highest among the groups gnomAD compares: Middle Eastern, 0.016%; no homozygotes.

Submissions (5):

Blueprint Genetics
Classification: Uncertain significance. Last evaluated: 2024-11-21. Review status: criteria provided, single submitter. Criteria: ACMG Guidelines, 2015. Collection method: clinical testing. Allele origin: germline.

Labcorp Genetics (formerly Invitae), Labcorp
Classification: Uncertain significance for Emery-Dreifuss muscular dystrophy 4, autosomal dominant; Autosomal recessive ataxia, Beauce type. Last evaluated: 2023-12-30. Review status: criteria provided, single submitter. Criteria: Invitae Variant Classification Sherloc (09022015). Collection method: clinical testing. Allele origin: germline.
Comment: This sequence change replaces arginine, which is basic and polar, with tryptophan, which is neutral and slightly polar, at codon 451 of the SYNE1 protein (p.Arg451Trp). This variant is present in population databases (rs75153800, gnomAD 0.02%). This variant has not been reported in the literature in individuals affected with SYNE1-related conditions. ClinVar contains an entry for this variant (Variation ID: 288498). An algorithm developed to predict the effect of missense changes on protein structure and function (PolyPhen-2) suggests that this variant is likely to be disruptive. In summary, the available evidence is currently insufficient to determine the role of this variant in disease. Therefore, it has been classified as a Variant of Uncertain Significance.

Revvity Omics, Revvity
Classification: Uncertain significance. Last evaluated: 2023-12-05. Review status: criteria provided, single submitter. Criteria: ACMG Guidelines, 2015. Collection method: clinical testing. Allele origin: germline.

Genetic Services Laboratory, University of Chicago
Classification: Uncertain significance. Last evaluated: 2017-05-03. Review status: criteria provided, single submitter. Criteria: ACMG Guidelines, 2015. Collection method: clinical testing. Allele origin: germline. Affected: no.

Eurofins Ntd Llc (ga)
Classification: Uncertain significance. Last evaluated: 2016-06-06. Review status: criteria provided, single submitter. Criteria: EGL Classification Definitions 2015. Collection method: clinical testing. Allele origin: germline. Observed: 1 variant allele, 1 heterozygote.